The following is an entry in ClinVar:

NM_018557.3(LRP1B):c.10401C>T (p.Asp3467=)

Gene: LRP1B (LDL receptor related protein 1B; minus strand). Cytogenetic location: 2q22.1.
Variant type: single nucleotide variant.
Coding change: c.10401C>T on transcript NM_018557.3 (MANE Select); coding-DNA position 10401, C replaced by T.
Protein change: p.Asp3467=; no amino-acid change (aspartic acid 3467 retained).
Molecular consequence: synonymous variant.
Genome position (GRCh38, 1-based): chr2:140,442,517, G>A on the plus strand (C>T on the coding strand, the complement: LRP1B is on the minus strand). VCF-style: chr2-140442517-G-A. GRCh37 (hg19) VCF-style: chr2-141200086-G-A.
Identifiers: ClinVar variation 3058505 (VCV003058505.2), dbSNP rs375190223, ClinGen allele CA1893413.

ClinVar aggregate classification (germline): Likely benign (0 of 4 stars; one submission).

Conditions:
LRP1B-related disorder. Also called: LRP1B-related condition.

Allele frequency attached by ClinVar (database versions not stated): ESP Exome Variant Server 0.00008; gnomAD exomes 0.00008; ExAC 0.00010; 1000 Genomes Project 30x 0.00031; gnomAD 0.00031; 1000 Genomes Project 0.00040; TOPMed 0.00049.
gnomAD v4.1: 184 of 1,613,082 alleles (0.011%); highest among the groups gnomAD compares: Admixed American, 0.085%; 1 homozygote.

Submission:

PreventionGenetics, part of Exact Sciences
Classification: Likely benign for LRP1B-related condition. Last evaluated: 2019-03-08. Review status: no assertion criteria provided. Collection method: clinical testing. Allele origin: germline.
Comment: This variant is classified as likely benign based on ACMG/AMP sequence variant interpretation guidelines (Richards et al. 2015 PMID: 25741868, with internal and published modifications).